The following is an entry in ClinVar:

ClinVar aggregate classification (germline): Pathogenic/Likely pathogenic. Review status: criteria provided, multiple submitters, no conflicts (2 of 4 stars). 3 submissions from 3 submitters: Pathogenic (1); Likely pathogenic (2). Last evaluated 2023-04-28.

Conditions:
Hereditary hemochromatosis (HFE). Identifiers: MedGen C0392514, MONDO:0006507. Disease mechanism: loss of function.
Alzheimer disease type 1 (AD1). Also called: ALZHEIMER DISEASE, FAMILIAL, 1; ALZHEIMER DISEASE, FAMILIAL, 1, AUTOSOMAL RECESSIVE. Identifiers: MedGen C1863052, MONDO:0007088, OMIM 104300.
Variegate porphyria (VP). Also called: PPOX DEFICIENCY; PORPHYRIA, SOUTH AFRICAN TYPE; PROTOPORPHYRINOGEN OXIDASE DEFICIENCY. Identifiers: Orphanet 79473, MedGen C0162532, MONDO:0008297, OMIM 176200.
Hemochromatosis type 1 (HFE1). Also called: HFE-Related Hemochromatosis; HFE-Associated Hereditary Hemochromatosis. Identifiers: Orphanet 465508, MedGen C3469186, MONDO:0021001, OMIM 235200. Disease mechanism: loss of function.
TRANSFERRIN SERUM LEVEL QUANTITATIVE TRAIT LOCUS 2 (TFQTL2). Identifiers: MedGen C3280096, OMIM 614193.
Familial porphyria cutanea tarda (PCT). Also called: PCT, TYPE II; PORPHYRIA CUTANEA TARDA, TYPE II; PORPHYRIA, HEPATOCUTANEOUS TYPE; UROD DEFICIENCY; UROPORPHYRINOGEN DECARBOXYLASE DEFICIENCY; PCT, ''FAMILIAL'' TYPE. Identifiers: Orphanet 101330, Orphanet 443062, MedGen C0268323, MONDO:0008296, OMIM 176100.
Microvascular complications of diabetes, susceptibility to, 7. Identifiers: MedGen C2673520, MONDO:0012971, OMIM 612635.

Allele frequency attached by ClinVar (database versions not stated): gnomAD exomes below 0.00001 and 0.00002; TOPMed 0.00001; ExAC 0.00002.

Submissions (3):

Labcorp Genetics (formerly Invitae), Labcorp
Classification: Pathogenic for Hereditary hemochromatosis. Last evaluated: 2023-04-28. Review status: criteria provided, single submitter. Criteria: Invitae Variant Classification Sherloc (09022015). Collection method: clinical testing. Allele origin: germline.
Comment: For these reasons, this variant has been classified as Pathogenic. ClinVar contains an entry for this variant (Variation ID: 407079). This variant has not been reported in the literature in individuals affected with HFE-related conditions. This variant is present in population databases (rs765804978, gnomAD 0.01%). This sequence change creates a premature translational stop signal (p.Leu183Glyfs*60) in the HFE gene. It is expected to result in an absent or disrupted protein product. Loss-of-function variants in HFE are known to be pathogenic (PMID: 27518069).

Genome-Nilou Lab
Classification: Likely pathogenic for Hemochromatosis type 1. Last evaluated: 2023-02-08. Review status: criteria provided, single submitter. Criteria: ACMG Guidelines, 2015. Collection method: clinical testing. Allele origin: germline.

Fulgent Genetics
Classification: Likely pathogenic for Alzheimer disease type 1; Familial porphyria cutanea tarda; Variegate porphyria; Hemochromatosis type 1; Microvascular complications of diabetes, susceptibility to, 7; TRANSFERRIN SERUM LEVEL QUANTITATIVE TRAIT LOCUS 2. Last evaluated: 2021-10-12. Review status: criteria provided, single submitter. Criteria: ACMG Guidelines, 2015. Collection method: clinical testing. Allele origin: unknown.

Literature cited by the submitters: PubMed 27518069 (cited by Labcorp Genetics (formerly Invitae), Labcorp).

NM_000410.4(HFE):c.546_547del (p.Leu183fs)

Gene: HFE (homeostatic iron regulator; plus strand). Cytogenetic location: 6p22.2.
Variant type: Deletion.
Coding change: c.546_547del on transcript NM_000410.4 (MANE Select); coding-DNA positions 546 to 547, 2 bases deleted (CC; older notation c.546_547delCC).
Protein change: p.Leu183fs; shifts the reading frame from leucine 183.
Molecular consequence: frameshift variant. On other transcripts: intron variant (4).
Genome position (GRCh38, 1-based): chr6:26,091,519-26,091,520, CC deleted. VCF-style (leftmost placement, unchanged base first): chr6-26091518-ACC-A. GRCh37 (hg19) VCF-style: chr6-26091746-ACC-A.
Other names: c.546_547del, p.Leu183fs (NM_139006.3, NM_001384164.1); c.282_283del, p.Leu95fs (NM_139007.3, NM_139008.3); c.477_478del, p.Leu160fs (NM_139009.3); c.340+415_340+416del (NM_139004.3, NM_139003.3); c.77-1166_77-1165del (NM_139010.3); c.77-1600_77-1599del (NM_139011.3); c.546_547delCC, p.Leu183Glyfs (NM_001300749.3, NM_001406751.1); c.282_283delCC, p.Leu95Glyfs (NM_001406752.1); short protein forms L183fs, L95fs, L160fs.
Identifiers: ClinVar variation 407079 (VCV000407079.47), dbSNP rs765804978, ClinGen allele CA3666670.